The following is an entry in ClinVar:

NM_004736.4(XPR1):c.760G>A (p.Ala254Thr)

Gene: XPR1 (xenotropic and polytropic retrovirus receptor 1; plus strand). Cytogenetic location: 1q25.3.
Variant type: single nucleotide variant.
Coding change: c.760G>A on transcript NM_004736.4 (MANE Select); coding-DNA position 760, G replaced by A.
Protein change: p.Ala254Thr; replaces alanine 254 with threonine.
Molecular consequence: missense variant. On other transcripts: non-coding transcript variant (1).
Genome position (GRCh38, 1-based): chr1:180,811,485, G>A. VCF-style: chr1-180811485-G-A. GRCh37 (hg19) VCF-style: chr1-180780621-G-A.
Other names: c.760G>A, p.Ala254Thr (NM_001135669.2, NM_001328662.2); short protein forms A254T.
Identifiers: ClinVar variation 1713311 (VCV001713311.5), dbSNP rs2525844915, ClinGen allele CA343844106.

ClinVar aggregate classification (germline): Uncertain significance (1 of 4 stars; one submission).

Allele frequency attached by ClinVar (database versions not stated): gnomAD exomes below 0.00001.
gnomAD v4.1: 1 of 1,610,148 alleles (0.000062%); highest among the groups gnomAD compares: Non-Finnish European, 0.000085%; no homozygotes.

Submission:

Labcorp Genetics (formerly Invitae), Labcorp
Classification: Uncertain significance. Last evaluated: 2022-07-22. Review status: criteria provided, single submitter. Criteria: Invitae Variant Classification Sherloc (09022015). Collection method: clinical testing. Allele origin: germline.
Comment: In summary, the available evidence is currently insufficient to determine the role of this variant in disease. Therefore, it has been classified as a Variant of Uncertain Significance. Algorithms developed to predict the effect of missense changes on protein structure and function output the following: SIFT: "Tolerated"; PolyPhen-2: "Benign"; Align-GVGD: "Class C0". The threonine amino acid residue is found in multiple mammalian species, which suggests that this missense change does not adversely affect protein function. This variant has not been reported in the literature in individuals affected with XPR1-related conditions. This variant is not present in population databases (gnomAD no frequency). This sequence change replaces alanine, which is neutral and non-polar, with threonine, which is neutral and polar, at codon 254 of the XPR1 protein (p.Ala254Thr).